The following is an entry in ClinVar:

ClinVar aggregate classification (germline): Uncertain significance (1 of 4 stars; one submission).

Allele frequency attached by ClinVar (database versions not stated): TOPMed below 0.00001; gnomAD exomes 0.00001; ExAC 0.00002; gnomAD 0.00003.
gnomAD v4.1: 19 of 1,614,198 alleles (0.0012%); highest among the groups gnomAD compares: African/African-American, 0.008%; 1 homozygote.

Submission:

Labcorp Genetics (formerly Invitae), Labcorp
Classification: Uncertain significance. Last evaluated: 2022-08-20. Review status: criteria provided, single submitter. Criteria: Invitae Variant Classification Sherloc (09022015). Collection method: clinical testing. Allele origin: germline.
Comment: This sequence change replaces asparagine, which is neutral and polar, with serine, which is neutral and polar, at codon 3376 of the LRP2 protein (p.Asn3376Ser). This variant is present in population databases (rs112529099, gnomAD 0.01%). This variant has not been reported in the literature in individuals affected with LRP2-related conditions. Advanced modeling of protein sequence and biophysical properties (such as structural, functional, and spatial information, amino acid conservation, physicochemical variation, residue mobility, and thermodynamic stability) performed at Invitae indicates that this missense variant is not expected to disrupt LRP2 protein function. In summary, the available evidence is currently insufficient to determine the role of this variant in disease. Therefore, it has been classified as a Variant of Uncertain Significance.

NM_004525.3(LRP2):c.10127A>G (p.Asn3376Ser)

Gene: LRP2 (LDL receptor related protein 2; minus strand). Cytogenetic location: 2q31.1.
Variant type: single nucleotide variant.
Coding change: c.10127A>G on transcript NM_004525.3 (MANE Select); coding-DNA position 10127, A replaced by G.
Protein change: p.Asn3376Ser; replaces asparagine 3376 with serine.
Molecular consequence: missense variant.
Genome position (GRCh38, 1-based): chr2:169,181,490, T>C on the plus strand (A>G on the coding strand, the complement: LRP2 is on the minus strand). VCF-style: chr2-169181490-T-C. GRCh37 (hg19) VCF-style: chr2-170038000-T-C.
Other names: short protein forms N3376S.
Identifiers: ClinVar variation 1903806 (VCV001903806.2), dbSNP rs112529099, ClinGen allele CA1953424.
Genomic context (GRCh38, chr2:169,181,490, plus strand): 5'-GCTTTTCTATGTACGTACTCTATGTAACCCAGGTGGGCATCTGCCCAGTAGAGTAGATCA[T>C]TGGTGTAATCAATGGTGATGCCATTAGGCCACTCTAACTTGGTGGAGATTATCACAGACT-3'
Protein context (NP_004516.2, residues 3366-3386): WPNGITIDYT[Asn3376Ser]DLLYWADAHL